The following is an entry in ClinVar:

NM_000260.4(MYO7A):c.1003+298C>G

Gene: MYO7A (myosin VIIA; plus strand). Cytogenetic location: 11q13.5.
Variant type: single nucleotide variant.
Coding change: c.1003+298C>G on transcript NM_000260.4 (MANE Select); 298 bases into the intron after coding-DNA position 1003, C replaced by G.
Molecular consequence: intron variant.
Genome position (GRCh38, 1-based): chr11:77,158,728, C>G. VCF-style: chr11-77158728-C-G. GRCh37 (hg19) VCF-style: chr11-76869774-C-G.
Other names: NC_000011.9:g.76869774C>G; c.970+298C>G (NM_001369365.1); c.1003+298C>G (NM_001127180.2).
Identifiers: ClinVar variation 680660 (VCV000680660.2), dbSNP rs4944144, ClinGen allele CA13542421.
Genomic context (GRCh38, chr11:77,158,728, plus strand): 5'-TGGGAGTTGTCTATGGACACTTTAAGACTCACTTCAAATTTGGTTTCTTCTTTAAAGTCA[C>G]ATGTCTTAGAGAGAGGGTAAATCTTTGAACTAATTCACTCTAAGGTGTGAGTGACTGGAT-3'

ClinVar aggregate classification (germline): Benign (1 of 4 stars; one submission).

Allele frequency attached by ClinVar (database versions not stated): TOPMed 0.39410; 1000 Genomes Project 0.37500; 1000 Genomes Project 30x 0.37617; gnomAD 0.39479 and 0.40201.
gnomAD v4.1: 59,948 of 152,098 alleles (39%); highest among the groups gnomAD compares: African/African-American, 46%; 12,292 homozygotes.

Submissions (5):

GeneDx
Classification: Benign. Last evaluated: 2018-06-14. Review status: criteria provided, single submitter. Criteria: GeneDx Variant Classification (06012015). Collection method: clinical testing. Allele origin: germline. Affected: yes.
Comment: This variant is considered likely benign or benign based on one or more of the following criteria: it is a conservative change, it occurs at a poorly conserved position in the protein, it is predicted to be benign by multiple in silico algorithms, and/or has population frequency not consistent with disease.

Dr. Peter K. Rogan Lab, Western University
No classification provided (evidence only). Condition: Sarcoma. Review status: no classification provided. Collection method: in vitro. Allele origin: not applicable. Functional consequence: retained intron. Not counted in ClinVar's aggregate classification.

Dr. Peter K. Rogan Lab, Western University
No classification provided (evidence only). Condition: Sarcoma. Review status: no classification provided. Collection method: in vitro. Allele origin: not applicable. Functional consequence: retained intron. Not counted in ClinVar's aggregate classification.

Dr. Peter K. Rogan Lab, Western University
No classification provided (evidence only). Condition: Malignant tumor of esophagus. Review status: no classification provided. Collection method: in vitro. Allele origin: not applicable. Functional consequence: retained intron. Not counted in ClinVar's aggregate classification.

Dr. Peter K. Rogan Lab, Western University
No classification provided (evidence only). Condition: Malignant tumor of esophagus. Review status: no classification provided. Collection method: in vitro. Allele origin: not applicable. Functional consequence: skipped exon, retained intron. Not counted in ClinVar's aggregate classification.